The following is an entry in ClinVar:

NM_001330574.2(ZNF711):c.2312del (p.Ile770_Ser771insTer)

Gene: ZNF711 (zinc finger protein 711; plus strand). Cytogenetic location: Xq21.1.
Variant type: Deletion.
Coding change: c.2312del on transcript NM_001330574.2 (MANE Select); coding-DNA position 2312, one base deleted (C; older notation c.2312delC).
Protein change: p.Ile770_Ser771insTer.
Molecular consequence: nonsense.
Genome position (GRCh38, 1-based): chrX:85,271,716, C deleted. VCF-style (leftmost placement, unchanged base first): chrX-85271715-TC-T. GRCh37 (hg19) VCF-style: chrX-84526721-TC-T.
Other names: c.2312del, p.Ile770_Ser771insTer (NM_001375431.1, NM_001375432.1, NM_001375433.1); c.2174del, p.Ile724_Ser725insTer (NM_001375434.1, NM_001375435.1, NM_001375436.1 and 2 more transcripts).
Identifiers: ClinVar variation 1307311 (VCV001307311.2), dbSNP rs2147877624, ClinGen allele CA2573055415.
Genomic context (GRCh38, chrX:85,271,715, plus strand): 5'-CAATGTGAGTATTGTGAATACAGCACTACAGATGCATCTGGCTTTAAACGACATGTGATA[TC>T]AATACATACAAAAGACTATCCACACAGGTGTGAATTCTGCAAGAAGGGATTCCGAAGACC-3'

ClinVar aggregate classification (germline): Uncertain significance (1 of 4 stars; one submission).

Submission:

GeneDx
Classification: Uncertain significance. Last evaluated: 2019-08-08. Review status: criteria provided, single submitter. Criteria: GeneDx Variant Classification Process June 2021. Collection method: clinical testing. Allele origin: germline. Affected: yes.
Comment: Not observed in large population cohorts (Lek et al., 2016); Nonsense variant predicted to result in protein truncation, although loss-of-function variants have not been reported downstream of this position in the protein; Has not been previously published as pathogenic or benign to our knowledge